The following is an entry in ClinVar:

NM_024642.5(GALNT12):c.119A>T (p.Gln40Leu)

Gene: GALNT12 (polypeptide N-acetylgalactosaminyltransferase 12; plus strand). Cytogenetic location: 9q22.33.
Variant type: single nucleotide variant.
Coding change: c.119A>T on transcript NM_024642.5 (MANE Select); coding-DNA position 119, A replaced by T.
Protein change: p.Gln40Leu; replaces glutamine 40 with leucine.
Molecular consequence: missense variant.
Genome position (GRCh38, 1-based): chr9:98,807,817, A>T. VCF-style: chr9-98807817-A-T. GRCh37 (hg19) VCF-style: chr9-101570099-A-T.
Other names: short protein forms Q40L.
Identifiers: ClinVar variation 1746797 (VCV001746797.4), dbSNP rs1437661282, ClinGen allele CA374222324.

ClinVar aggregate classification (germline): Conflicting classifications of pathogenicity. Review status: criteria provided, conflicting classifications (1 of 4 stars). 2 submissions from 2 submitters: Uncertain significance (1); Likely benign (1). Last evaluated 2025-02-12.

Submissions (2):

Labcorp Genetics (formerly Invitae), Labcorp
Classification: Uncertain significance. Last evaluated: 2025-02-12. Review status: criteria provided, single submitter. Criteria: Invitae Variant Classification Sherloc (09022015). Collection method: clinical testing. Allele origin: germline.
Comment: This sequence change replaces glutamine, which is neutral and polar, with leucine, which is neutral and non-polar, at codon 40 of the GALNT12 protein (p.Gln40Leu). The frequency data for this variant in the population databases is considered unreliable, as metrics indicate insufficient coverage at this position in the gnomAD database. This variant has not been reported in the literature in individuals affected with GALNT12-related conditions. ClinVar contains an entry for this variant (Variation ID: 1746797). Experimental studies and prediction algorithms are not available or were not evaluated, and the functional significance of this variant is currently unknown. In summary, the available evidence is currently insufficient to determine the role of this variant in disease. Therefore, it has been classified as a Variant of Uncertain Significance.

Ambry Genetics
Classification: Likely benign. Last evaluated: 2024-08-02. Review status: criteria provided, single submitter. Criteria: Ambry Variant Classification Scheme 2023. Collection method: clinical testing. Allele origin: germline.